The following is an entry in ClinVar:

ClinVar aggregate classification (germline): Uncertain significance. Review status: criteria provided, multiple submitters, no conflicts (2 of 4 stars). 2 submissions from 2 submitters: Uncertain significance (2). Last evaluated 2026-01-28.

Conditions:
Inborn genetic diseases. Identifiers: MedGen C0950123, MeSH D030342.

Allele frequency attached by ClinVar (database versions not stated): gnomAD exomes 0.00001 and 0.00002; gnomAD 0.00005 and 0.00006; TOPMed 0.00005; ExAC 0.00006.
gnomAD v4.1: 35 of 1,545,166 alleles (0.0023%); highest among the groups gnomAD compares: African/African-American, 0.019%; no homozygotes.

Submissions (2):

Labcorp Genetics (formerly Invitae), Labcorp
Classification: Uncertain significance. Last evaluated: 2026-01-28. Review status: criteria provided, single submitter. Criteria: Invitae Variant Classification Sherloc (09022015). Collection method: clinical testing. Allele origin: germline.
Comment: This sequence change replaces threonine, which is neutral and polar, with alanine, which is neutral and non-polar, at codon 3 of the KIF2A protein (p.Thr3Ala). This variant is present in population databases (rs765801970, gnomAD 0.03%). This variant has not been reported in the literature in individuals affected with KIF2A-related conditions. ClinVar contains an entry for this variant (Variation ID: 1416555). An algorithm developed to predict the effect of missense changes on protein structure and function outputs the following: PolyPhen-2: "Benign". The alanine amino acid residue is found in multiple mammalian species, which suggests that this missense change does not adversely affect protein function. In summary, the available evidence is currently insufficient to determine the role of this variant in disease. Therefore, it has been classified as a Variant of Uncertain Significance.

Ambry Genetics
Classification: Uncertain significance for Inborn genetic diseases. Last evaluated: 2025-06-07. Review status: criteria provided, single submitter. Criteria: Ambry Variant Classification Scheme 2023. Collection method: clinical testing. Allele origin: germline.

NM_001098511.3(KIF2A):c.7A>G (p.Thr3Ala)

Genes: KIF2A (kinesin family member 2A; plus strand), LOC129993961 (ATAC-STARR-seq lymphoblastoid silent region 16051; plus strand). Cytogenetic location: 5q12.1.
Variant type: single nucleotide variant.
Coding change: c.7A>G on transcript NM_001098511.3 (MANE Select); coding-DNA position 7, A replaced by G.
Protein change: p.Thr3Ala; replaces threonine 3 with alanine.
Molecular consequence: missense variant. On other transcripts: 5 prime UTR variant (1).
Genome position (GRCh38, 1-based): chr5:62,306,479, A>G. VCF-style: chr5-62306479-A-G. GRCh37 (hg19) VCF-style: chr5-61602306-A-G.
Other names: c.-278A>G (NM_001243952.2); c.7A>G, p.Thr3Ala (NM_001243953.2, NM_004520.5); c.7A>G (NM_001098511.2); short protein forms T3A.
Identifiers: ClinVar variation 1416555 (VCV001416555.7), dbSNP rs765801970, ClinGen allele CA3278667.
Genomic context (GRCh38, chr5:62,306,479, plus strand): 5'-TTCCGCCCTCCGGTCCCCCTCCCTCGGCCCGCTGCTGCTGCTCCAGATGAGGTGATGGCA[A>G]CGGCCAACTTCGGCAAGATCCAGATCGGGATTTACGTGGAGATCAAGCGCAGCGATGGTG-3'
Protein context (NP_001091981.1, residues 1-13): MA[Thr3Ala]ANFGKIQIGI